The following is an entry in ClinVar:

ClinVar aggregate classification (germline): Uncertain significance. Review status: criteria provided, single submitter (1 of 4 stars). 2 submissions from 1 submitter: Uncertain significance (2). Last evaluated 2022-05-04.

Conditions:
Retinitis pigmentosa (RP). Identifiers: Orphanet 791, MedGen C0035334, MeSH D012174, MONDO:0019200, OMIM 268000. Inheritance: Autosomal dominant, autosomal recessive and X linked inheritance.
Retinitis pigmentosa 12 (RP12). Also called: RP WITH OR WITHOUT PRESERVED PARAARTERIOLE RETINAL PIGMENT EPITHELIUM; RETINITIS PIGMENTOSA WITH OR WITHOUT PARAARTERIOLAR PRESERVATION OF RETINAL PIGMENT EPITHELIUM; RP WITH OR WITHOUT PPRPE. Identifiers: Orphanet 791, MedGen C1838647, MONDO:0010818, OMIM 600105.

Allele frequency attached by ClinVar (database versions not stated): gnomAD exomes below 0.00001; TOPMed below 0.00001; ExAC 0.00001.
gnomAD v4.1: 1 of 1,614,108 alleles (0.000062%); highest among the groups gnomAD compares: Non-Finnish European, 0.000085%; no homozygotes.

Submissions (2):

Broad Center for Mendelian Genomics, Broad Institute of MIT and Harvard
Classification: Uncertain significance for Retinitis pigmentosa 12. Last evaluated: 2022-05-04. Review status: criteria provided, single submitter. Criteria: ACMG Guidelines, 2015. Collection method: curation. Allele origin: germline. Inheritance: Autosomal recessive inheritance.
Comment: The variant has not been previously reported in individuals with retinitis pigmentosa 12 but has been identified in 0.0009% (1/113742) of European non-Finnish chromosomes by the Genome Aggregation Database (gnomAD; dbSNP ID: rs772819260). Although this variant has been seen in the general population, its frequency is low enough to be consistent with a recessive carrier frequency. Computational prediction tools and conservation analyses suggest that this variant may impact the protein, though this information is not predictive enough to determine pathogenicity. The presence of this variant in combination with a reported pathogenic variant increases the likelihood that the p.Cys74Trp variant is pathogenic (Variation ID: 99913). In summary, while there is some suspicion for a pathogenic role, the clinical significance of this variant is uncertain. ACMG/AMP Criteria applied: PM2, PP3, PM3_supporting (Richards 2015).

Broad Center for Mendelian Genomics, Broad Institute of MIT and Harvard
Classification: Uncertain significance for Retinitis pigmentosa. Last evaluated: 2021-04-01. Review status: criteria provided, single submitter. Criteria: ACMG Guidelines, 2015. Collection method: curation. Allele origin: germline. Inheritance: Autosomal recessive inheritance. Affected: yes.
Comment: Based on this evidence we have classified this variant as a Variant of Uncertain Significance. If you have any questions about the classification please reach out to the Pierce Lab.

Literature cited by the submitters: PubMed 34906470.

NM_201253.3(CRB1):c.222C>G (p.Cys74Trp)

Gene: CRB1 (crumbs cell polarity complex component 1; plus strand). Cytogenetic location: 1q31.3.
Variant type: single nucleotide variant.
Coding change: c.222C>G on transcript NM_201253.3 (MANE Select); coding-DNA position 222, C replaced by G.
Protein change: p.Cys74Trp; replaces cysteine 74 with tryptophan.
Molecular consequence: missense variant. On other transcripts: non-coding transcript variant (2).
Genome position (GRCh38, 1-based): chr1:197,328,573, C>G. VCF-style: chr1-197328573-C-G. GRCh37 (hg19) VCF-style: chr1-197297703-C-G.
Other names: NR_047564.2:n.383C>G; c.222C>G, p.Cys74Trp (NM_001193640.2, NM_001257966.2); c.15C>G, p.Cys5Trp (NM_001257965.2); short protein forms C5W, C74W.
Identifiers: ClinVar variation 1297154 (VCV001297154.3), dbSNP rs772819260, ClinGen allele CA1311596.
Genomic context (GRCh38, chr1:197,328,573, plus strand): 5'-TTCTTGTTCAGACACAGCCAATAATTTGGACAAAGACTGTGACAACATGAAAGACCCTTG[C>G]TTCTCCAATCCCTGTCAAGGAAGTGCCACTTGTGTGAACACCCCAGGAGAAAGGAGCTTT-3'
Protein context (NP_957705.1, residues 64-84): DKDCDNMKDP[Cys74Trp]FSNPCQGSAT